The following is an entry in ClinVar:

ClinVar aggregate classification (germline): Uncertain significance (1 of 4 stars; one submission).

Allele frequency attached by ClinVar (database versions not stated): gnomAD exomes below 0.00001; ExAC 0.00001.
gnomAD v4.1: 3 of 1,612,610 alleles (0.00019%); highest among the groups gnomAD compares: Non-Finnish European, 0.00025%; no homozygotes.

Submission:

Labcorp Genetics (formerly Invitae), Labcorp
Classification: Uncertain significance. Last evaluated: 2022-06-16. Review status: criteria provided, single submitter. Criteria: Invitae Variant Classification Sherloc (09022015). Collection method: clinical testing. Allele origin: germline.
Comment: This sequence change replaces alanine, which is neutral and non-polar, with threonine, which is neutral and polar, at codon 1315 of the COL18A1 protein (p.Ala1315Thr). This variant is present in population databases (rs773239355, gnomAD 0.0009%). This variant has not been reported in the literature in individuals affected with COL18A1-related conditions. Experimental studies and prediction algorithms are not available or were not evaluated, and the functional significance of this variant is currently unknown. In summary, the available evidence is currently insufficient to determine the role of this variant in disease. Therefore, it has been classified as a Variant of Uncertain Significance.

NM_001379500.1(COL18A1):c.3952G>A (p.Ala1318Thr)

Genes: COL18A1 (collagen type XVIII alpha 1 chain; plus strand), SLC19A1 (solute carrier family 19 member 1; minus strand). Cytogenetic location: 21q22.3.
Variant type: single nucleotide variant.
Coding change: c.3952G>A on transcript NM_001379500.1 (MANE Select); coding-DNA position 3952, G replaced by A.
Protein change: p.Ala1318Thr; replaces alanine 1318 with threonine.
Molecular consequence: missense variant.
Genome position (GRCh38, 1-based): chr21:45,512,330, G>A. VCF-style: chr21-45512330-G-A. GRCh37 (hg19) VCF-style: chr21-46932244-G-A.
Other names: c.4483G>A, p.Ala1495Thr (NM_030582.4); c.5188G>A, p.Ala1730Thr (NM_130444.3); short protein forms A1495T, A1318T, A1730T.
Identifiers: ClinVar variation 1946633 (VCV001946633.4), dbSNP rs773239355, ClinGen allele CA10068144.